The following is an entry in ClinVar:

ClinVar aggregate classification (germline): Uncertain significance (1 of 4 stars; one submission).

Conditions:
Nephronophthisis. Also called: Juvenile Nephronophthisis. Identifiers: Orphanet 655, MedGen C0687120, MONDO:0019005, HP:0000090.

Submission:

Labcorp Genetics (formerly Invitae), Labcorp
Classification: Uncertain significance for Nephronophthisis. Last evaluated: 2024-11-05. Review status: criteria provided, single submitter. Criteria: Invitae Variant Classification Sherloc (09022015). Collection method: clinical testing. Allele origin: germline.
Comment: This sequence change replaces leucine, which is neutral and non-polar, with valine, which is neutral and non-polar, at codon 275 of the NPHP1 protein (p.Leu275Val). This variant is not present in population databases (gnomAD no frequency). This variant has not been reported in the literature in individuals affected with NPHP1-related conditions. ClinVar contains an entry for this variant (Variation ID: 2079890). An algorithm developed to predict the effect of missense changes on protein structure and function (PolyPhen-2) suggests that this variant is likely to be tolerated. In summary, the available evidence is currently insufficient to determine the role of this variant in disease. Therefore, it has been classified as a Variant of Uncertain Significance.

NM_001128178.3(NPHP1):c.771+52C>G

Gene: NPHP1 (nephrocystin 1; minus strand). Cytogenetic location: 2q13.
Variant type: single nucleotide variant.
Coding change: c.771+52C>G on transcript NM_001128178.3 (MANE Select); 52 bases into the intron after coding-DNA position 771, C replaced by G.
Molecular consequence: intron variant. On other transcripts: missense variant (2).
Genome position (GRCh38, 1-based): chr2:110,164,636, G>C on the plus strand (C>G on the coding strand, the complement: NPHP1 is on the minus strand). VCF-style: chr2-110164636-G-C. GRCh37 (hg19) VCF-style: chr2-110922213-G-C.
Other names: c.823C>G, p.Leu275Val (NM_000272.5, NM_207181.4); c.585+52C>G (NM_001128179.3); c.771+52C>G (NM_001374256.1, NM_001374257.1); short protein forms L275V.
Identifiers: ClinVar variation 2079890 (VCV002079890.4), dbSNP rs2467369302, ClinGen allele CA348091842.